The following is an entry in ClinVar:

NM_000361.3(THBD):c.5T>C (p.Leu2Pro)

Gene: THBD (thrombomodulin; minus strand). Cytogenetic location: 20p11.21.
Variant type: single nucleotide variant.
Coding change: c.5T>C on transcript NM_000361.3 (MANE Select); coding-DNA position 5, T replaced by C.
Protein change: p.Leu2Pro; replaces leucine 2 with proline.
Molecular consequence: missense variant.
Genome position (GRCh38, 1-based): chr20:23,049,500, A>G on the plus strand (T>C on the coding strand, the complement: THBD is on the minus strand). VCF-style: chr20-23049500-A-G. GRCh37 (hg19) VCF-style: chr20-23030137-A-G.
Other names: short protein forms L2P.
Identifiers: ClinVar variation 1715277 (VCV001715277.5), dbSNP rs2122673678, ClinGen allele CA408408730.
Genomic context (GRCh38, chr20:23,049,500, plus strand): 5'-TCTGCGGGTGCGGGGAACCCCAGGCCGGCCAGGGCCAGCGCGCCAAGGACCAGGACCCCA[A>G]GCATGTTACCCAGGCGCGCCGCGTGCAGGCGCCGGGGAAAGCGCGGGCACTGCGACAGGG-3'
Protein context (NP_000352.1, residues 1-12): M[Leu2Pro]GVLVLGALAL

ClinVar aggregate classification (germline): Uncertain significance (1 of 4 stars; one submission).

gnomAD v4.1: 1 of 1,535,372 alleles (0.000065%); no homozygotes.

Submission:

Labcorp Genetics (formerly Invitae), Labcorp
Classification: Uncertain significance. Last evaluated: 2022-08-06. Review status: criteria provided, single submitter. Criteria: Invitae Variant Classification Sherloc (09022015). Collection method: clinical testing. Allele origin: germline.
Comment: In summary, the available evidence is currently insufficient to determine the role of this variant in disease. Therefore, it has been classified as a Variant of Uncertain Significance. Algorithms developed to predict the effect of missense changes on protein structure and function are either unavailable or do not agree on the potential impact of this missense change (SIFT: "Deleterious"; PolyPhen-2: "Not Available"; Align-GVGD: "Class C0"). This variant has not been reported in the literature in individuals affected with THBD-related conditions. This variant is not present in population databases (gnomAD no frequency). This sequence change replaces leucine, which is neutral and non-polar, with proline, which is neutral and non-polar, at codon 2 of the THBD protein (p.Leu2Pro).